The following is an entry in ClinVar:

ClinVar aggregate classification (germline): Uncertain significance. Review status: criteria provided, multiple submitters, no conflicts (2 of 4 stars). 3 submissions from 3 submitters: Uncertain significance (3). Last evaluated 2025-07-14.

Allele frequency attached by ClinVar (database versions not stated): 1000 Genomes Project 0.00020; ExAC 0.00027; gnomAD exomes 0.00028 and 0.00038; TOPMed 0.00030; 1000 Genomes Project 30x 0.00031; gnomAD 0.00034 and 0.00036; ESP Exome Variant Server 0.00039.
gnomAD v4.1: 629 of 1,606,778 alleles (0.039%); highest among the groups gnomAD compares: Middle Eastern, 0.083%; no homozygotes.

Submissions (3):

Labcorp Genetics (formerly Invitae), Labcorp
Classification: Uncertain significance. Last evaluated: 2025-07-14. Review status: criteria provided, single submitter. Criteria: Invitae Variant Classification Sherloc (09022015). Collection method: clinical testing. Allele origin: germline.
Comment: This sequence change replaces leucine, which is neutral and non-polar, with glutamine, which is neutral and polar, at codon 86 of the DSTYK protein (p.Leu86Gln). This variant is present in population databases (rs146982479, gnomAD 0.05%), and has an allele count higher than expected for a pathogenic variant. This variant has not been reported in the literature in individuals affected with DSTYK-related conditions. ClinVar contains an entry for this variant (Variation ID: 1012758). An algorithm developed to predict the effect of missense changes on protein structure and function outputs the following: PolyPhen-2: "Benign". The glutamine amino acid residue is found in multiple mammalian species, which suggests that this missense change does not adversely affect protein function. In summary, the available evidence is currently insufficient to determine the role of this variant in disease. Therefore, it has been classified as a Variant of Uncertain Significance.

GeneDx
Classification: Uncertain significance. Last evaluated: 2023-07-01. Review status: criteria provided, single submitter. Criteria: GeneDx Variant Classification Process June 2021. Collection method: clinical testing. Allele origin: germline. Affected: yes.
Comment: In silico analysis supports that this missense variant does not alter protein structure/function; Has not been previously published as pathogenic or benign to our knowledge

CeGaT Center for Human Genetics Tuebingen
Classification: Uncertain significance. Last evaluated: 2020-12-01. Review status: criteria provided, single submitter. Criteria: CeGaT Center For Human Genetics Tuebingen Variant Classification Criteria Version 2. Collection method: clinical testing. Allele origin: germline. Affected: yes. Observed: 1 variant allele.

NM_015375.3(DSTYK):c.257T>A (p.Leu86Gln)

Gene: DSTYK (dual serine/threonine and tyrosine protein kinase; minus strand). Cytogenetic location: 1q32.1.
Variant type: single nucleotide variant.
Coding change: c.257T>A on transcript NM_015375.3 (MANE Select); coding-DNA position 257, T replaced by A.
Protein change: p.Leu86Gln; replaces leucine 86 with glutamine.
Molecular consequence: missense variant.
Genome position (GRCh38, 1-based): chr1:205,211,279, A>T on the plus strand (T>A on the coding strand, the complement: DSTYK is on the minus strand). VCF-style: chr1-205211279-A-T. GRCh37 (hg19) VCF-style: chr1-205180407-A-T.
Other names: c.257T>A (NM_015375.2); c.257T>A, p.Leu86Gln (NM_199462.3); short protein forms L86Q.
Identifiers: ClinVar variation 1012758 (VCV001012758.43), dbSNP rs146982479, ClinGen allele CA1353088.